The following is an entry in ClinVar:

NM_001365480.1(CCDC88A):c.4271G>A (p.Arg1424His)

Gene: CCDC88A (coiled-coil domain containing 88A; minus strand). Cytogenetic location: 2p16.1.
Variant type: single nucleotide variant.
Coding change: c.4271G>A on transcript NM_001365480.1 (MANE Select); coding-DNA position 4271, G replaced by A.
Protein change: p.Arg1424His; replaces arginine 1424 with histidine.
Molecular consequence: missense variant.
Genome position (GRCh38, 1-based): chr2:55,308,925, C>T on the plus strand (G>A on the coding strand, the complement: CCDC88A is on the minus strand). VCF-style: chr2-55308925-C-T. GRCh37 (hg19) VCF-style: chr2-55536061-C-T.
Other names: c.4268G>A, p.Arg1423His (NM_001135597.2, NM_001254943.2); c.4271G>A, p.Arg1424His (NM_018084.5); short protein forms R1423H, R1424H.
Identifiers: ClinVar variation 1487173 (VCV001487173.6), dbSNP rs755550431, ClinGen allele CA1665603.

ClinVar aggregate classification (germline): Uncertain significance (1 of 4 stars; one submission).

Allele frequency attached by ClinVar (database versions not stated): gnomAD 0.00001 and 0.00002; TOPMed 0.00001; gnomAD exomes 0.00005 and 0.00008; ExAC 0.00009.
gnomAD v4.1: 76 of 1,613,560 alleles (0.0047%); highest among the groups gnomAD compares: South Asian, 0.066%; 1 homozygote.

Submission:

Labcorp Genetics (formerly Invitae), Labcorp
Classification: Uncertain significance. Last evaluated: 2024-10-08. Review status: criteria provided, single submitter. Criteria: Invitae Variant Classification Sherloc (09022015). Collection method: clinical testing. Allele origin: germline.
Comment: This sequence change replaces arginine, which is basic and polar, with histidine, which is basic and polar, at codon 1423 of the CCDC88A protein (p.Arg1423His). This variant is present in population databases (rs755550431, gnomAD 0.06%). This variant has not been reported in the literature in individuals affected with CCDC88A-related conditions. ClinVar contains an entry for this variant (Variation ID: 1487173). An algorithm developed to predict the effect of missense changes on protein structure and function (PolyPhen-2) suggests that this variant¬†is likely to be tolerated. In summary, the available evidence is currently insufficient to determine the role of this variant in disease. Therefore, it has been classified as a Variant of Uncertain Significance.